The following is an entry in ClinVar:

ClinVar aggregate classification (germline): Uncertain significance. Review status: criteria provided, multiple submitters, no conflicts (2 of 4 stars). 2 submissions from 2 submitters: Uncertain significance (2). Last evaluated 2026-03-19.

Conditions:
Inborn genetic diseases. Identifiers: MedGen C0950123, MeSH D030342.

Allele frequency attached by ClinVar (database versions not stated): gnomAD exomes below 0.00001.
gnomAD v4.1: 7 of 1,603,912 alleles (0.00044%); highest among the groups gnomAD compares: Non-Finnish European, 0.0006%; no homozygotes.

Submissions (2):

Ambry Genetics
Classification: Uncertain significance for Inborn genetic diseases. Last evaluated: 2026-03-19. Review status: criteria provided, single submitter. Criteria: Ambry Variant Classification Scheme 2023. Collection method: clinical testing. Allele origin: germline.

Labcorp Genetics (formerly Invitae), Labcorp
Classification: Uncertain significance. Last evaluated: 2025-09-05. Review status: criteria provided, single submitter. Criteria: Invitae Variant Classification Sherloc (09022015). Collection method: clinical testing. Allele origin: germline.
Comment: This sequence change replaces methionine, which is neutral and non-polar, with isoleucine, which is neutral and non-polar, at codon 446 of the CLCN7 protein (p.Met446Ile). The frequency data for this variant in the population databases is considered unreliable, as metrics indicate poor data quality at this position in the gnomAD database. This variant has not been reported in the literature in individuals affected with CLCN7-related conditions. ClinVar contains an entry for this variant (Variation ID: 1349745). Invitae Evidence Modeling of protein sequence and biophysical properties (such as structural, functional, and spatial information, amino acid conservation, physicochemical variation, residue mobility, and thermodynamic stability) indicates that this missense variant is not expected to disrupt CLCN7 protein function with a negative predictive value of 95%. In summary, the available evidence is currently insufficient to determine the role of this variant in disease. Therefore, it has been classified as a Variant of Uncertain Significance.

NM_001287.6(CLCN7):c.1338G>T (p.Met446Ile)

Gene: CLCN7 (Cl-/H+ antiporter 7; minus strand). Cytogenetic location: 16p13.3.
Variant type: single nucleotide variant.
Coding change: c.1338G>T on transcript NM_001287.6 (MANE Select); coding-DNA position 1338, G replaced by T.
Protein change: p.Met446Ile; replaces methionine 446 with isoleucine.
Molecular consequence: missense variant.
Genome position (GRCh38, 1-based): chr16:1,452,770, C>A on the plus strand (G>T on the coding strand, the complement: CLCN7 is on the minus strand). VCF-style: chr16-1452770-C-A. GRCh37 (hg19) VCF-style: chr16-1502771-C-A.
Other names: c.1338G>T (NM_001287.4); c.1266G>T, p.Met422Ile (NM_001114331.3); short protein forms M422I, M446I.
Identifiers: ClinVar variation 1349745 (VCV001349745.9), dbSNP rs1486424529, ClinGen allele CA394189061.